The following is an entry in ClinVar:

NM_000179.3(MSH6):c.2447del (p.Pro816fs)

Gene: MSH6 (mutS homolog 6; plus strand). Cytogenetic location: 2p16.3.
Variant type: Deletion.
Coding change: c.2447del on transcript NM_000179.3 (MANE Select); coding-DNA position 2447, one base deleted (C; older notation c.2447delC).
Protein change: p.Pro816fs; shifts the reading frame from proline 816.
Molecular consequence: frameshift variant.
Genome position (GRCh38, 1-based): chr2:47,800,430, C deleted; the last of 2 consecutive C bases (chr2:47,800,429-47,800,430); deleting either gives the same sequence. VCF-style (leftmost placement, unchanged base first): chr2-47800428-TC-T. GRCh37 (hg19) VCF-style: chr2-48027567-TC-T.
Other names: c.2057del, p.Pro686fs (NM_001281492.2); c.1541del, p.Pro514fs (NM_001281493.2, NM_001281494.2); c.2543delC, p.Pro848Glnfs (NM_001406795.1, NM_001406802.1); c.2447delC, p.Pro816Glnfs (NM_001406796.1, NM_001406798.1, NM_001406800.1 and 2 more transcripts); c.2150delC, p.Pro717Glnfs (NM_001406797.1, NM_001406801.1, NM_001406805.1 and 10 more transcripts); c.1922delC, p.Pro641Glnfs (NM_001406799.1, NM_001406806.1, NM_001406807.1); c.2369delC, p.Pro790Glnfs (NM_001406804.1); c.1541delC, p.Pro514Glnfs (NM_001406811.1, NM_001406812.1, NM_001406814.1 and 4 more transcripts); and 2 more; short protein forms P686fs, P816fs, P514fs.
Identifiers: ClinVar variation 2087961 (VCV002087961.4), dbSNP rs2530672917, ClinGen allele CA2580067916.
Genomic context (GRCh38, chr2:47,800,428, plus strand): 5'-AGAAGACCTCATGGTTGTGCCTGACAAAATCTCCGAAGTTGTAGAGCTTCTAAAGAAGCT[TC>T]CAGATCTTGAGAGGCTACTCAGTAAAATTCATAATGTTGGGTCTCCCCTGAAGAGTCAGA-3'

ClinVar aggregate classification (germline): Pathogenic (1 of 4 stars; one submission).

Conditions:
Hereditary nonpolyposis colorectal neoplasms. Identifiers: MedGen C0009405, MeSH D003123.

Submission:

Labcorp Genetics (formerly Invitae), Labcorp
Classification: Pathogenic for Hereditary nonpolyposis colorectal neoplasms. Last evaluated: 2022-01-19. Review status: criteria provided, single submitter. Criteria: Invitae Variant Classification Sherloc (09022015). Collection method: clinical testing. Allele origin: germline.
Comment: For these reasons, this variant has been classified as Pathogenic. This variant has not been reported in the literature in individuals affected with MSH6-related conditions. This variant is not present in population databases (gnomAD no frequency). This sequence change creates a premature translational stop signal (p.Pro816Glnfs*17) in the MSH6 gene. It is expected to result in an absent or disrupted protein product. Loss-of-function variants in MSH6 are known to be pathogenic (PMID: 18269114, 24362816).

Literature cited by the submitters: PubMed 18269114; PubMed 24362816.